The following is an entry in ClinVar:

ClinVar aggregate classification (germline): Uncertain significance (1 of 4 stars; one submission).

Submission:

Labcorp Genetics (formerly Invitae), Labcorp
Classification: Uncertain significance. Last evaluated: 2023-08-04. Review status: criteria provided, single submitter. Criteria: Invitae Variant Classification Sherloc (09022015). Collection method: clinical testing. Allele origin: germline.
Comment: This sequence change replaces asparagine, which is neutral and polar, with threonine, which is neutral and polar, at codon 234 of the CTSB protein (p.Asn234Thr). ClinVar contains an entry for this variant (Variation ID: 1497483). This variant is not present in population databases (gnomAD no frequency). This variant has not been reported in the literature in individuals affected with CTSB-related conditions. An algorithm developed to predict the effect of missense changes on protein structure and function (PolyPhen-2) suggests that this variant is likely to be tolerated. In summary, the available evidence is currently insufficient to determine the role of this variant in disease. Therefore, it has been classified as a Variant of Uncertain Significance.

NM_001908.5(CTSB):c.701A>C (p.Asn234Thr)

Gene: CTSB (cathepsin B). Cytogenetic location: 8p23.1.
Variant type: single nucleotide variant.
Coding change: c.701A>C on transcript NM_001908.5 (MANE Select); coding-DNA position 701, A replaced by C.
Protein change: p.Asn234Thr; replaces asparagine 234 with threonine.
Molecular consequence: missense variant.
Genome position (GRCh38, 1-based): chr8:11,847,144, T>G on the plus strand (A>C on the coding strand, the complement: CTSB is on the minus strand). VCF-style: chr8-11847144-T-G. GRCh37 (hg19) VCF-style: chr8-11704653-T-G.
Other names: c.329A>C, p.Asn110Thr (NM_001317237.2); c.701A>C, p.Asn234Thr (NM_001384714.1, NM_001384723.1, NM_001384724.1 and 8 more transcripts); short protein forms N234T, N110T.
Identifiers: ClinVar variation 1497483 (VCV001497483.6), dbSNP rs1392405203, ClinGen allele CA370319432.